The following is an entry in ClinVar:

ClinVar aggregate classification (germline): Uncertain significance (1 of 4 stars; one submission).

Conditions:
Hyperornithinemia-hyperammonemia-homocitrullinuria syndrome (HHHS). Also called: HHH SYNDROME; Ornithine translocase deficiency. Identifiers: Orphanet 415, MedGen C0268540, MONDO:0009393, OMIM 238970.

Allele frequency attached by ClinVar (database versions not stated): gnomAD exomes below 0.00001; TOPMed below 0.00001; ExAC 0.00001.
gnomAD v4.1: 7 of 1,614,098 alleles (0.00043%); highest among the groups gnomAD compares: Middle Eastern, 0.016%; no homozygotes.

Submission:

Labcorp Genetics (formerly Invitae), Labcorp
Classification: Uncertain significance for Hyperornithinemia-hyperammonemia-homocitrullinuria syndrome. Last evaluated: 2022-02-18. Review status: criteria provided, single submitter. Criteria: Invitae Variant Classification Sherloc (09022015). Collection method: clinical testing. Allele origin: germline.
Comment: This sequence change replaces asparagine, which is neutral and polar, with serine, which is neutral and polar, at codon 4 of the SLC25A15 protein (p.Asn4Ser). This variant is present in population databases (rs778928196, gnomAD 0.002%). This variant has not been reported in the literature in individuals affected with SLC25A15-related conditions. Algorithms developed to predict the effect of missense changes on protein structure and function output the following: SIFT: "Tolerated"; PolyPhen-2: "Benign"; Align-GVGD: "Class C0". The serine amino acid residue is found in multiple mammalian species, which suggests that this missense change does not adversely affect protein function. In summary, the available evidence is currently insufficient to determine the role of this variant in disease. Therefore, it has been classified as a Variant of Uncertain Significance.

NM_014252.4(SLC25A15):c.11A>G (p.Asn4Ser)

Gene: SLC25A15 (solute carrier family 25 member 15; plus strand). Cytogenetic location: 13q14.11.
Variant type: single nucleotide variant.
Coding change: c.11A>G on transcript NM_014252.4 (MANE Select); coding-DNA position 11, A replaced by G.
Protein change: p.Asn4Ser; replaces asparagine 4 with serine.
Molecular consequence: missense variant.
Genome position (GRCh38, 1-based): chr13:40,793,237, A>G. VCF-style: chr13-40793237-A-G. GRCh37 (hg19) VCF-style: chr13-41367373-A-G.
Other names: short protein forms N4S.
Identifiers: ClinVar variation 2172603 (VCV002172603.1), dbSNP rs778928196, ClinGen allele CA6959587.